The following is an entry in ClinVar:

ClinVar aggregate classification (germline): Uncertain significance (1 of 4 stars; one submission).

Conditions:
Cardiovascular phenotype. Identifiers: MedGen CN230736.

Allele frequency attached by ClinVar (database versions not stated): gnomAD 0.00001.
gnomAD v4.1: 1 of 1,209,351 alleles (0.000083%); highest among the groups gnomAD compares: African/African-American, 0.0018%; no homozygotes.

Submission:

Ambry Genetics
Classification: Uncertain significance for Cardiovascular phenotype. Last evaluated: 2020-10-06. Review status: criteria provided, single submitter. Criteria: Ambry Variant Classification Scheme 2023. Collection method: clinical testing. Allele origin: germline.
Comment: The p.A1010S variant (also known as c.3028G>T), located in coding exon 23 of the DMD gene, results from a G to T substitution at nucleotide position 3028. The alanine at codon 1010 is replaced by serine, an amino acid with similar properties. This amino acid position is highly conserved in available vertebrate species. In addition, this alteration is predicted to be tolerated by in silico analysis. Since supporting evidence is limited at this time, the clinical significance of this alteration remains unclear.

NM_004006.3(DMD):c.3028G>T (p.Ala1010Ser)

Gene: DMD (dystrophin; minus strand). Cytogenetic location: Xp21.1.
Variant type: single nucleotide variant.
Coding change: c.3028G>T on transcript NM_004006.3 (MANE Select); coding-DNA position 3028, G replaced by T.
Protein change: p.Ala1010Ser; replaces alanine 1010 with serine.
Molecular consequence: missense variant.
Genome position (GRCh38, 1-based): chrX:32,468,632, C>A on the plus strand (G>T on the coding strand, the complement: DMD is on the minus strand). VCF-style: chrX-32468632-C-A. GRCh37 (hg19) VCF-style: chrX-32486749-C-A.
Other names: c.3004G>T, p.Ala1002Ser (NM_000109.4); c.3016G>T, p.Ala1006Ser (NM_004009.3); c.2659G>T, p.Ala887Ser (NM_004010.3); short protein forms A1002S, A1006S, A887S, A1010S.
Identifiers: ClinVar variation 1798984 (VCV001798984.2), dbSNP rs766325631, ClinGen allele CA412667025.
Genomic context (GRCh38, chrX:32,468,632, plus strand): 5'-TCCAGCGTCCCTCAATTTCTTCAAATTCTGATTGATATTTCCGGCTAATTTCAGAGGGCG[C>A]TTTCTTCGACATCTCTTTCACAGTGGTGCTGAGATAGTATAGGCCACTTTGTTGCTCTTG-3'
Protein context (NP_003997.2, residues 1000-1020): STTVKEMSKK[Ala1010Ser]PSEISRKYQS